The following is an entry in ClinVar:

ClinVar aggregate classification (germline): Uncertain significance (1 of 4 stars; one submission).

Submission:

Labcorp Genetics (formerly Invitae), Labcorp
Classification: Uncertain significance. Last evaluated: 2022-05-17. Review status: criteria provided, single submitter. Criteria: Invitae Variant Classification Sherloc (09022015). Collection method: clinical testing. Allele origin: germline.
Comment: In summary, the available evidence is currently insufficient to determine the role of this variant in disease. Therefore, it has been classified as a Variant of Uncertain Significance. Algorithms developed to predict the effect of missense changes on protein structure and function (SIFT, PolyPhen-2, Align-GVGD) all suggest that this variant is likely to be tolerated. This variant has not been reported in the literature in individuals affected with KANK1-related conditions. This sequence change replaces isoleucine, which is neutral and non-polar, with leucine, which is neutral and non-polar, at codon 692 of the KANK1 protein (p.Ile692Leu). This variant is not present in population databases (gnomAD no frequency).

NM_015158.5(KANK1):c.2074A>C (p.Ile692Leu)

Gene: KANK1 (KN motif and ankyrin repeat domains 1; plus strand). Cytogenetic location: 9p24.3.
Variant type: single nucleotide variant.
Coding change: c.2074A>C on transcript NM_015158.5 (MANE Select); coding-DNA position 2074, A replaced by C.
Protein change: p.Ile692Leu; replaces isoleucine 692 with leucine.
Molecular consequence: missense variant. On other transcripts: non-coding transcript variant (1).
Genome position (GRCh38, 1-based): chr9:712,840, A>C. VCF-style: chr9-712840-A-C. GRCh37 (hg19) VCF-style: chr9-712840-A-C.
Other names: c.2074A>C, p.Ile692Leu (NM_001256876.3, NM_001256877.3, NM_001354331.2 and 2 more transcripts); c.1600A>C, p.Ile534Leu (NM_001354333.2, NM_001354335.2, NM_001354336.2 and 9 more transcripts); short protein forms I692L, I534L.
Identifiers: ClinVar variation 1911109 (VCV001911109.5), dbSNP rs1302836963, ClinGen allele CA372749540.